The following is an entry in ClinVar:

ClinVar aggregate classification (germline): Pathogenic/Likely pathogenic. Review status: criteria provided, multiple submitters, no conflicts (2 of 4 stars). 5 submissions from 5 submitters: Pathogenic (3); Likely pathogenic (1). 1 of the submissions does not count toward it. Last evaluated 2025-09-15.

Conditions:
Inborn genetic diseases. Identifiers: MedGen C0950123, MeSH D030342.
Branchiooculofacial syndrome (BOFS). Also called: BOF SYNDROME; HEMANGIOMATOUS BRANCHIAL CLEFTS-LIP PSEUDOCLEFT SYNDROME; LIP PSEUDOCLEFT-HEMANGIOMATOUS BRANCHIAL CYST SYNDROME; Branchio-Oculo-Facial Syndrome. Identifiers: Orphanet 1297, MedGen C0376524, MeSH D019280, MONDO:0007235, OMIM 113620.

Submissions (5):

GeneDx
Classification: Pathogenic. Last evaluated: 2025-09-15. Review status: criteria provided, single submitter. Criteria: GeneDx Variant Classification Process June 2021. Collection method: clinical testing. Allele origin: germline. Affected: yes.
Comment: Published functional studies demonstrate a damaging effect (PMID: 23578821); Not observed at significant frequency in large population cohorts (gnomAD); In silico analysis supports that this missense variant has a deleterious effect on protein structure/function; This variant is associated with the following publications: (PMID: 25590586, 21204207, 19764023, 7747785, 25325184, 31829210, 23578821, 20358615, Maftei2025(caseReport))

Labcorp Genetics (formerly Invitae), Labcorp
Classification: Likely pathogenic. Last evaluated: 2022-10-23. Review status: criteria provided, single submitter. Criteria: Invitae Variant Classification Sherloc (09022015). Collection method: clinical testing. Allele origin: germline.
Comment: This variant is not present in population databases (gnomAD no frequency). In summary, the currently available evidence indicates that the variant is pathogenic, but additional data are needed to prove that conclusively. Therefore, this variant has been classified as Likely Pathogenic. Algorithms developed to predict the effect of missense changes on protein structure and function are either unavailable or do not agree on the potential impact of this missense change (SIFT: "Deleterious"; PolyPhen-2: "Benign"; Align-GVGD: "Class C0"). ClinVar contains an entry for this variant (Variation ID: 18466). This missense change has been observed in individual(s) with branchio-oculo-facial syndrome (PMID: 25325184, 31829210; Invitae). In at least one individual the variant was observed to be de novo. This sequence change replaces arginine, which is basic and polar, with glutamine, which is neutral and polar, at codon 237 of the TFAP2A protein (p.Arg237Gln).

Ambry Genetics
Classification: Pathogenic for Inborn genetic diseases. Last evaluated: 2017-04-26. Review status: criteria provided, single submitter. Criteria: Ambry exome assertion method (8-5-2015). Collection method: clinical testing. Allele origin: germline. Affected: yes. Observed: 1 variant allele.

Center for Human Genetics, Inc
Classification: Pathogenic for Branchiooculofacial syndrome. Last evaluated: 2016-11-01. Review status: criteria provided, single submitter. Criteria: ACMG Guidelines, 2015. Collection method: clinical testing. Allele origin: germline. Affected: yes.

OMIM
Classification: Pathogenic for BRANCHIOOCULOFACIAL SYNDROME. Last evaluated: 2010-04-01. Review status: no assertion criteria provided. Collection method: literature only. Allele origin: germline. Not counted in ClinVar's aggregate classification.

Literature cited by the submitters: PubMed 25325184 (cited by Labcorp Genetics (formerly Invitae), Labcorp and Ambry Genetics); PubMed 31829210 (cited by Labcorp Genetics (formerly Invitae), Labcorp); PubMed 20358615 (cited by Ambry Genetics and OMIM); PubMed 23578821 (cited by Ambry Genetics); PubMed 19764023 (cited by Ambry Genetics); PubMed 21204207 (cited by Ambry Genetics); PubMed 25590586 (cited by Ambry Genetics); PubMed 7747785 (cited by Ambry Genetics).

NM_001372066.1(TFAP2A):c.716G>A (p.Arg239Gln)

Genes: TFAP2A (transcription factor AP-2 alpha; minus strand), TFAP2A-AS2 (TFAP2A antisense RNA 2; plus strand), LOC121740638 (BRD4-independent group 4 enhancer GRCh37_chr6:10403277-10404476; plus strand). Cytogenetic location: 6p24.3.
Variant type: single nucleotide variant.
Coding change: c.716G>A on transcript NM_001372066.1 (MANE Select); coding-DNA position 716, G replaced by A.
Protein change: p.Arg239Gln; replaces arginine 239 with glutamine.
Molecular consequence: missense variant. On other transcripts: non-coding transcript variant (1).
Genome position (GRCh38, 1-based): chr6:10,404,562, C>T on the plus strand (G>A on the coding strand, the complement: TFAP2A is on the minus strand). VCF-style: chr6-10404562-C-T. GRCh37 (hg19) VCF-style: chr6-10404795-C-T.
Other names: R237Q; NM_003220.2:c.710G>A; c.692G>A, p.Arg231Gln (NM_001032280.3); c.698G>A, p.Arg233Gln (NM_001042425.3); short protein forms R231Q, R233Q, R239Q.
Identifiers: ClinVar variation 18466 (VCV000018466.12), dbSNP rs151344525, ClinGen allele CA004722.